The following is an entry in ClinVar:

ClinVar aggregate classification (germline): Conflicting classifications of pathogenicity. Review status: criteria provided, conflicting classifications (1 of 4 stars). 7 submissions from 7 submitters: Uncertain significance (4); Likely benign (2). 1 of the submissions does not count toward it. Last evaluated 2025-04-09.

Conditions:
Cardiovascular phenotype. Identifiers: MedGen CN230736.
Monogenic diabetes. Identifiers: Orphanet 183625, MedGen C3888631, MONDO:0015967.
Alstrom syndrome (ALMS). Identifiers: Orphanet 64, MedGen C0268425, MONDO:0008763, OMIM 203800.

Allele frequency attached by ClinVar (database versions not stated): ExAC 0.00007; gnomAD exomes 0.00007; ESP Exome Variant Server 0.00008; 1000 Genomes Project 30x 0.00016; 1000 Genomes Project 0.00020; gnomAD 0.00023 and 0.00026; TOPMed 0.00029.
gnomAD v4.1: 75 of 1,614,138 alleles (0.0046%); highest among the groups gnomAD compares: African/African-American, 0.084%; no homozygotes.

Submissions (7):

GeneDx
Classification: Uncertain significance. Last evaluated: 2025-04-09. Review status: criteria provided, single submitter. Criteria: GeneDx Variant Classification Process June 2021. Collection method: clinical testing. Allele origin: germline. Affected: yes.
Comment: Has not been previously published as pathogenic or benign to our knowledge; In silico analysis indicates that this missense variant does not alter protein structure/function

Women's Health and Genetics/Laboratory Corporation of America, LabCorp
Classification: Uncertain significance. Last evaluated: 2023-09-25. Review status: criteria provided, single submitter. Criteria: LabCorp Variant Classification Summary - May 2015. Collection method: clinical testing. Allele origin: germline.

Labcorp Genetics (formerly Invitae), Labcorp
Classification: Uncertain significance for Alstrom syndrome. Last evaluated: 2022-10-17. Review status: criteria provided, single submitter. Criteria: Invitae Variant Classification Sherloc (09022015). Collection method: clinical testing. Allele origin: germline.
Comment: This sequence change replaces alanine, which is neutral and non-polar, with proline, which is neutral and non-polar, at codon 3327 of the ALMS1 protein (p.Ala3327Pro). This variant is present in population databases (rs201213079, gnomAD 0.1%). This variant has not been reported in the literature in individuals affected with ALMS1-related conditions. ClinVar contains an entry for this variant (Variation ID: 916716). Experimental studies and prediction algorithms are not available or were not evaluated, and the functional significance of this variant is currently unknown. In summary, the available evidence is currently insufficient to determine the role of this variant in disease. Therefore, it has been classified as a Variant of Uncertain Significance.

Ambry Genetics
Classification: Likely benign for Cardiovascular phenotype. Last evaluated: 2021-07-08. Review status: criteria provided, single submitter. Criteria: Ambry Variant Classification Scheme 2023. Collection method: clinical testing. Allele origin: germline.

Personalized Diabetes Medicine Program, University of Maryland School of Medicine
Classification: Likely benign for Monogenic diabetes. Last evaluated: 2018-01-12. Review status: criteria provided, single submitter. Criteria: ACMG Guidelines, 2015. Collection method: research. Allele origin: unknown. Observed: 1 variant allele, 1 heterozygote.
Comment: ACMG criteria: BP4 (8 predictors), BP1 (missense in gene with truncating cause disease)=likely benign

Clinical Genomics, Uppaluri K&H Personalized Medicine Clinic
Classification: Uncertain significance for Alstrom syndrome. Review status: criteria provided, single submitter. Criteria: K & H Uppaluri Personalized Medicine Clinic Variant Classification & Assertion Criteria_Updated V.1. Collection method: research. Allele origin: unknown. Inheritance: Autosomal recessive inheritance.
Comment: Potent mutations in ALMS1 are associated with a rare condition called Alstrom syndrome. It can cause excessive eating, insulin resistance. However, no evidence is found to ascertain the role of rs201213079 in Alstrom syndrome yet.

Natera, Inc.
Classification: Uncertain significance for Alstrom syndrome. Last evaluated: 2021-07-28. Review status: no assertion criteria provided. Collection method: clinical testing. Allele origin: germline. Not counted in ClinVar's aggregate classification.

Literature cited by the submitters: PubMed 34148947 (cited by Clinical Genomics, Uppaluri K&H Personalized Medicine Clinic); PubMed 25846608 (cited by Clinical Genomics, Uppaluri K&H Personalized Medicine Clinic); PubMed 30421101 (cited by Clinical Genomics, Uppaluri K&H Personalized Medicine Clinic); PubMed 33669459 (cited by Clinical Genomics, Uppaluri K&H Personalized Medicine Clinic).

NM_001378454.1(ALMS1):c.9976G>C (p.Ala3326Pro)

Gene: ALMS1 (ALMS1 centrosome and basal body associated protein; plus strand). Cytogenetic location: 2p13.1.
Variant type: single nucleotide variant.
Coding change: c.9976G>C on transcript NM_001378454.1 (MANE Select); coding-DNA position 9976, G replaced by C.
Protein change: p.Ala3326Pro; replaces alanine 3326 with proline.
Molecular consequence: missense variant.
Genome position (GRCh38, 1-based): chr2:73,550,335, G>C. VCF-style: chr2-73550335-G-C. GRCh37 (hg19) VCF-style: chr2-73777462-G-C.
Other names: c.9979G>C, p.Ala3327Pro (NM_015120.4); short protein forms A3326P, A3327P.
Identifiers: ClinVar variation 916716 (VCV000916716.20), dbSNP rs201213079, ClinGen allele CA1714843.